The following is an entry in ClinVar:

NM_007294.4(BRCA1):c.5432A>C (p.Gln1811Pro)

Gene: BRCA1 (BRCA1 DNA repair associated; minus strand). Cytogenetic location: 17q21.31.
Variant type: single nucleotide variant.
Coding change: c.5432A>C on transcript NM_007294.4 (MANE Select); coding-DNA position 5432, A replaced by C.
Protein change: p.Gln1811Pro; replaces glutamine 1811 with proline.
Molecular consequence: missense variant. On other transcripts: synonymous variant (17).
Genome position (GRCh38, 1-based): chr17:43,047,678, T>G on the plus strand (A>C on the coding strand, the complement: BRCA1 is on the minus strand). VCF-style: chr17-43047678-T-G. GRCh37 (hg19) VCF-style: chr17-41199695-T-G.
Other names: c.1994A>C, p.Gln665Pro (NM_001408447.1, NM_001408448.1, NM_001408450.1 and 2 more transcripts); c.1988A>C, p.Gln663Pro (NM_001408451.1); c.1982A>C, p.Gln661Pro (NM_001408452.1, NM_001408453.1, NM_001408454.1 and 3 more transcripts); c.1979A>C, p.Gln660Pro (NM_001408463.1, NM_001408464.1, NM_001408465.1 and 7 more transcripts); c.1976A>C, p.Gln659Pro (NM_001408468.1, NM_001408469.1, NM_001408470.1); c.5219A>C, p.Gln1740Pro (NM_001407571.1, NM_001407894.1, NM_001407895.1 and 12 more transcripts); c.5498A>C, p.Gln1833Pro (NM_001407581.1, NM_001407582.1); c.2046A>C, p.Ala682= (NM_001408472.1, NM_007299.4); and 83 more; short protein forms Q1811P, Q1764P, Q1832P, Q707P, Q1642P, Q1683P, Q1698P, Q1721P.
Identifiers: ClinVar variation 868483 (VCV000868483.4), dbSNP rs80357040, ClinGen allele CA10590570.

ClinVar aggregate classification (germline): Likely pathogenic (1 of 4 stars; one submission).

Conditions:
Breast-ovarian cancer, familial, susceptibility to, 1 (BROVCA1). Also called: BRCA1 Hereditary Breast and Ovarian Cancer; OVARIAN CANCER, SUSCEPTIBILITY TO. Identifiers: Orphanet 145, MedGen C2676676, MONDO:0011450, OMIM 604370. Disease mechanism: loss of function.

gnomAD v4.1: 1 of 1,614,234 alleles (0.000062%); highest among the groups gnomAD compares: Non-Finnish European, 0.000085%; no homozygotes.

Submissions (2):

Myriad Genetics, Inc.
Classification: Likely pathogenic for Breast-ovarian cancer, familial, susceptibility to, 1. Last evaluated: 2024-03-08. Review status: criteria provided, single submitter. Criteria: Myriad Autosomal Dominant, Autosomal Recessive and X-Linked Classification Criteria (2023). Collection method: clinical testing. Allele origin: unknown.
Comment: This variant is considered likely pathogenic. Functional studies indicate this variant impacts protein function [PMID: 30209399]. This variant is expected to disrupt protein structure [Myriad internal data].

Brotman Baty Institute, University of Washington
No classification provided (evidence only). Condition: Breast-ovarian cancer, familial 1. Review status: no classification provided. Collection method: in vitro. Allele origin: not applicable. Functional consequence: functionally_abnormal. Not counted in ClinVar's aggregate classification.
ClinVar note: "not provided" was previously submitted as the classification for the variant. However, the classification appeared to be based only on an observation of functional data so it was converted to no classification on 2025-07-30.

Literature cited by the submitters: PubMed 30209399 (cited by Myriad Genetics, Inc.).